The following is an entry in ClinVar:

NM_000642.3(AGL):c.2275T>C (p.Tyr759His)

Gene: AGL (amylo-alpha-1,6-glucosidase and 4-alpha-glucanotransferase; plus strand). Cytogenetic location: 1p21.2.
Variant type: single nucleotide variant.
Coding change: c.2275T>C on transcript NM_000642.3 (MANE Select); coding-DNA position 2275, T replaced by C.
Protein change: p.Tyr759His; replaces tyrosine 759 with histidine.
Molecular consequence: missense variant.
Genome position (GRCh38, 1-based): chr1:99,881,658, T>C. VCF-style: chr1-99881658-T-C. GRCh37 (hg19) VCF-style: chr1-100347214-T-C.
Other names: c.2074T>C, p.Tyr692His (NM_001425327.1); c.2071T>C, p.Tyr691His (NM_001425328.1, NM_001425329.1); c.1897T>C, p.Tyr633His (NM_001425332.1); c.2275T>C, p.Tyr759His (NM_000028.3, NM_000643.3, NM_000644.3 and 2 more transcripts); c.2227T>C, p.Tyr743His (NM_000646.3); short protein forms Y759H, Y743H, Y633H, Y691H, Y692H.
Identifiers: ClinVar variation 1387725 (VCV001387725.6), dbSNP rs1652041472, ClinGen allele CA341319992.

ClinVar aggregate classification (germline): Uncertain significance (1 of 4 stars; one submission).

Conditions:
Glycogen storage disease type III (GSD3). Also called: Cori disease; FORBES DISEASE. Identifiers: Orphanet 366, MedGen C0017922, MONDO:0009291, OMIM 232400.

Allele frequency attached by ClinVar (database versions not stated): gnomAD exomes below 0.00001; TOPMed below 0.00001.
gnomAD v4.1: 1 of 1,613,984 alleles (0.000062%); highest among the groups gnomAD compares: African/African-American, 0.0013%; no homozygotes.

Submission:

Labcorp Genetics (formerly Invitae), Labcorp
Classification: Uncertain significance for Glycogen storage disease type III. Last evaluated: 2021-11-22. Review status: criteria provided, single submitter. Criteria: Invitae Variant Classification Sherloc (09022015). Collection method: clinical testing. Allele origin: germline.
Comment: This sequence change replaces tyrosine, which is neutral and polar, with histidine, which is basic and polar, at codon 759 of the AGL protein (p.Tyr759His). This variant is not present in population databases (gnomAD no frequency). This variant has not been reported in the literature in individuals affected with AGL-related conditions. Algorithms developed to predict the effect of missense changes on protein structure and function (SIFT, PolyPhen-2, Align-GVGD) all suggest that this variant is likely to be tolerated. In summary, the available evidence is currently insufficient to determine the role of this variant in disease. Therefore, it has been classified as a Variant of Uncertain Significance.